The following is an entry in ClinVar:

ClinVar aggregate classification (germline): Uncertain significance (1 of 4 stars; one submission).

Conditions:
Cardiovascular phenotype. Identifiers: MedGen CN230736.

Submission:

Ambry Genetics
Classification: Uncertain significance for Cardiovascular phenotype. Last evaluated: 2025-05-14. Review status: criteria provided, single submitter. Criteria: Ambry Variant Classification Scheme 2023. Collection method: clinical testing. Allele origin: germline.
Comment: The p.A972V variant (also known as c.2915C>T), located in coding exon 20 of the MYH6 gene, results from a C to T substitution at nucleotide position 2915. The alanine at codon 972 is replaced by valine, an amino acid with similar properties. This amino acid position is conserved. In addition, this alteration is predicted to be deleterious by in silico analysis. Based on the available evidence, the clinical significance of this variant remains unclear.

NM_002471.4(MYH6):c.2915C>T (p.Ala972Val)

Gene: MYH6 (myosin heavy chain 6; minus strand). Cytogenetic location: 14q11.2.
Variant type: single nucleotide variant.
Coding change: c.2915C>T on transcript NM_002471.4 (MANE Select); coding-DNA position 2915, C replaced by T.
Protein change: p.Ala972Val; replaces alanine 972 with valine.
Molecular consequence: missense variant.
Genome position (GRCh38, 1-based): chr14:23,393,679, G>A on the plus strand (C>T on the coding strand, the complement: MYH6 is on the minus strand). VCF-style: chr14-23393679-G-A. GRCh37 (hg19) VCF-style: chr14-23862888-G-A.
Other names: short protein forms A972V.
Identifiers: ClinVar variation 3915599 (VCV003915599.1).
Genomic context (GRCh38, chr14:23,393,679, plus strand): 5'-GGAGTCTTGAGGAGACCTGGGCTGAAGCCAGAGGGAGCTGCCCTCACCTTGTTCTCTGTT[G>A]CATGCTTCTCCTTCTCCACCTTGGCCAGTGTCAGCTCCAGGTCATCAATGTCCTTCTTGA-3'
Protein context (NP_002462.2, residues 962-982): TLAKVEKEKH[Ala972Val]TENKVKNLTE